The following is an entry in ClinVar:

ClinVar aggregate classification (germline): Uncertain significance (1 of 4 stars; one submission).

Conditions:
Peroxisome biogenesis disorder 5A (Zellweger) (PBD5A). Identifiers: Orphanet 912, MedGen C3553940, MONDO:0013932, OMIM 614866.

Allele frequency attached by ClinVar (database versions not stated): gnomAD exomes 0.00002; ExAC 0.00003.
gnomAD v4.1: 5 of 1,614,218 alleles (0.00031%); highest among the groups gnomAD compares: Admixed American, 0.0083%; no homozygotes.

Submission:

Labcorp Genetics (formerly Invitae), Labcorp
Classification: Uncertain significance for Peroxisome biogenesis disorder 5A (Zellweger). Last evaluated: 2025-06-12. Review status: criteria provided, single submitter. Criteria: Invitae Variant Classification Sherloc (09022015). Collection method: clinical testing. Allele origin: germline.
Comment: This sequence change replaces lysine, which is basic and polar, with threonine, which is neutral and polar, at codon 86 of the PEX2 protein (p.Lys86Thr). This variant is present in population databases (rs754127143, gnomAD 0.01%). This variant has not been reported in the literature in individuals affected with PEX2-related conditions. ClinVar contains an entry for this variant (Variation ID: 1497800). Invitae Evidence Modeling of protein sequence and biophysical properties (such as structural, functional, and spatial information, amino acid conservation, physicochemical variation, residue mobility, and thermodynamic stability) indicates that this missense variant is not expected to disrupt PEX2 protein function with a negative predictive value of 80%. In summary, the available evidence is currently insufficient to determine the role of this variant in disease. Therefore, it has been classified as a Variant of Uncertain Significance.

NM_000318.3(PEX2):c.257A>C (p.Lys86Thr)

Gene: PEX2 (peroxisomal biogenesis factor 2; minus strand). Cytogenetic location: 8q21.13.
Variant type: single nucleotide variant.
Coding change: c.257A>C on transcript NM_000318.3 (MANE Select); coding-DNA position 257, A replaced by C.
Protein change: p.Lys86Thr; replaces lysine 86 with threonine.
Molecular consequence: missense variant.
Genome position (GRCh38, 1-based): chr8:76,983,922, T>G on the plus strand (A>C on the coding strand, the complement: PEX2 is on the minus strand). VCF-style: chr8-76983922-T-G. GRCh37 (hg19) VCF-style: chr8-77896158-T-G.
Other names: c.257A>C, p.Lys86Thr (NM_001079867.2, NM_001172086.2, NM_001172087.2); short protein forms K86T.
Identifiers: ClinVar variation 1497800 (VCV001497800.5), dbSNP rs754127143, ClinGen allele CA4788743.
Genomic context (GRCh38, chr8:76,983,922, plus strand): 5'-TACCAGATTTTTTGATTTTTACTGGGTGGCTGATATCTCAGGTTAGGGGAAAAATCATTT[T>G]TGTACTTAATATTCAAAACTGACTGTCCCACTGTGGCATTTTTGGAGTAGATGGTGAATC-3'
Protein context (NP_000309.2, residues 76-96): VGQSVLNIKY[Lys86Thr]NDFSPNLRYQ